The following is an entry in ClinVar:

ClinVar aggregate classification (germline): Uncertain significance (1 of 4 stars; one submission).

Allele frequency attached by ClinVar (database versions not stated): gnomAD exomes 0.00001.
gnomAD v4.1: 5 of 1,612,538 alleles (0.00031%); highest among the groups gnomAD compares: Non-Finnish European, 0.00042%; no homozygotes.

Submission:

GeneDx
Classification: Uncertain significance. Last evaluated: 2019-12-13. Review status: criteria provided, single submitter. Criteria: GeneDx Variant Classification Process June 2021. Collection method: clinical testing. Allele origin: germline. Affected: yes.
Comment: Not observed in large population cohorts (Lek et al., 2016); In silico analysis, which includes protein predictors and evolutionary conservation, supports a deleterious effect; Has not been previously published as pathogenic or benign to our knowledge

NM_014000.3(VCL):c.3144C>A (p.Asn1048Lys)

Gene: VCL (vinculin; plus strand). Cytogenetic location: 10q22.2.
Variant type: single nucleotide variant.
Coding change: c.3144C>A on transcript NM_014000.3 (MANE Select); coding-DNA position 3144, C replaced by A.
Protein change: p.Asn1048Lys; replaces asparagine 1048 with lysine.
Molecular consequence: missense variant.
Genome position (GRCh38, 1-based): chr10:74,114,378, C>A. VCF-style: chr10-74114378-C-A. GRCh37 (hg19) VCF-style: chr10-75874136-C-A.
Other names: c.2940C>A, p.Asn980Lys (NM_003373.4); short protein forms N1048K, N980K.
Identifiers: ClinVar variation 1203419 (VCV001203419.3), dbSNP rs2131939961, ClinGen allele CA377267224.